The following is an entry in ClinVar:

ClinVar aggregate classification (germline): Uncertain significance (1 of 4 stars; one submission).

Conditions:
Inborn genetic diseases. Identifiers: MedGen C0950123, MeSH D030342.

gnomAD v4.1: 3 of 1,614,104 alleles (0.00019%); highest among the groups gnomAD compares: Admixed American, 0.0033%; no homozygotes.

Submission:

Ambry Genetics
Classification: Uncertain significance for Inborn genetic diseases. Last evaluated: 2025-01-06. Review status: criteria provided, single submitter. Criteria: Ambry Variant Classification Scheme 2023. Collection method: clinical testing. Allele origin: germline.
Comment: The p.I1165V variant (also known as c.3493A>G), located in coding exon 24 of the ANKRD26 gene, results from an A to G substitution at nucleotide position 3493. The isoleucine at codon 1165 is replaced by valine, an amino acid with highly similar properties. This amino acid position is conserved. In addition, this alteration is predicted to be tolerated by in silico analysis. Based on the available evidence, the clinical significance of this variant remains unclear.

NM_014915.3(ANKRD26):c.3493A>G (p.Ile1165Val)

Gene: ANKRD26 (ankyrin repeat domain containing 26; minus strand). Cytogenetic location: 10p12.1.
Variant type: single nucleotide variant.
Coding change: c.3493A>G on transcript NM_014915.3 (MANE Select); coding-DNA position 3493, A replaced by G.
Protein change: p.Ile1165Val; replaces isoleucine 1165 with valine.
Molecular consequence: missense variant.
Genome position (GRCh38, 1-based): chr10:27,034,957, T>C on the plus strand (A>G on the coding strand, the complement: ANKRD26 is on the minus strand). VCF-style: chr10-27034957-T-C. GRCh37 (hg19) VCF-style: chr10-27323886-T-C.
Other names: c.3490A>G, p.Ile1164Val (NM_001256053.2); short protein forms I1164V, I1165V.
Identifiers: ClinVar variation 3868184 (VCV003868184.1).
Genomic context (GRCh38, chr10:27,034,957, plus strand): 5'-GCTTTTCACTCTCAGCTTGAAGTTTTTGCACAATAGCATGAAACTGGTCTTGGATATTAA[T>C]CACTGTCTTCTCTTTATTGTCAGCCTTGTTGTGGGCATCATCCAGTTGTTGTCGAAGCAA-3'
Protein context (NP_055730.2, residues 1155-1175): NKADNKEKTV[Ile1165Val]NIQDQFHAIV